The following is an entry in ClinVar:

NM_152641.4(ARID2):c.109dup (p.Ile37fs)

Genes: ARID2 (AT-rich interaction domain 2; plus strand), LOC130007728 (ATAC-STARR-seq lymphoblastoid silent region 4376; plus strand). Cytogenetic location: 12q12.
Variant type: Duplication.
Coding change: c.109dup on transcript NM_152641.4 (MANE Select); coding-DNA position 109, one base duplicated (A; older notation c.109dupA).
Protein change: p.Ile37fs; shifts the reading frame from isoleucine 37.
Molecular consequence: frameshift variant.
Genome position (GRCh38, 1-based): chr12:45,730,060, A duplicated; the last of 7 consecutive A bases (chr12:45,730,054-45,730,060); duplicating any one gives the same sequence. VCF-style (leftmost placement, unchanged base first): chr12-45730053-T-TA. GRCh37 (hg19) VCF-style: chr12-46123836-T-TA.
Other names: c.109dupA (NM_152641.4); c.109dup, p.Ile37fs (NM_001347839.2); short protein forms I37fs.
Identifiers: ClinVar variation 1320312 (VCV001320312.3), dbSNP rs2137959601, ClinGen allele CA479661687.
Genomic context (GRCh38, chr12:45,730,053, plus strand): 5'-GCCGGGCACGGGGTCCCGGCTGACAAGTGCGGGGCTTTTTCTCTCCCGCAGGTCGCCTTT[T>TA]AAAAAAATCCCTGCGGTGGGTGGGAAGGAGCTGGATCTTCACGGTCTCTACACCAGAGTC-3'

ClinVar aggregate classification (germline): Likely pathogenic. Review status: criteria provided, multiple submitters, no conflicts (2 of 4 stars). 2 submissions from 2 submitters: Likely pathogenic (2). Last evaluated 2025-04-05.

Conditions:
Coffin-Siris syndrome 6. Identifiers: MedGen C4540499, MONDO:0033492, OMIM 617808.

Submissions (2):

Dasa
Classification: Likely pathogenic. Last evaluated: 2025-04-05. Review status: criteria provided, single submitter. Criteria: DASA Assertion Criteria. Collection method: clinical testing. Allele origin: germline.
Comment: NM_152641.4(ARID2):c.109dup (p.Ile37Asnfs*29) is a frameshift variant in ARID2 predicted to alter the reading frame and introduce a premature termination codon and is predicted to result in an absent or altered protein product. Loss of function is an established disease mechanism for ARID2 (PMID: 29698805; PMID: 26238514; PMID: 28124119). Also, this variant is absent from population databases. Based on the currently available evidence, this variant is classified as likely pathogenic.

HudsonAlpha Institute for Biotechnology
Classification: Likely pathogenic for Coffin-Siris syndrome 6. Last evaluated: 2021-09-24. Review status: criteria provided, single submitter. Criteria: ACMG Guidelines, 2015. Collection method: research. Allele origin: unknown. Affected: yes. Observed: 1 variant allele. Study: CSER-SouthSeq.
Comment: ACMG codes: PVS1; PM2

Literature cited by the submitters: PubMed 29698805 (cited by Dasa); PubMed 26238514 (cited by Dasa); PubMed 28124119 (cited by Dasa).